The following is an entry in ClinVar:

NM_017547.4(FOXRED1):c.306+2T>G

Gene: FOXRED1 (FAD dependent oxidoreductase domain containing 1; plus strand). Cytogenetic location: 11q24.2.
Variant type: single nucleotide variant.
Coding change: c.306+2T>G on transcript NM_017547.4 (MANE Select); the canonical splice donor site of the intron after coding-DNA position 306, T replaced by G.
Molecular consequence: splice donor variant.
Genome position (GRCh38, 1-based): chr11:126,271,659, T>G. VCF-style: chr11-126271659-T-G. GRCh37 (hg19) VCF-style: chr11-126141554-T-G.
Identifiers: ClinVar variation 2863412 (VCV002863412.3), dbSNP rs1389667497, ClinGen allele CA383229328.
Genomic context (GRCh38, chr11:126,271,659, plus strand): 5'-AGAAGCTGGAGAGCAGACGAGGTGCTATTCGAGTGCTAGTGGTGGAACGGGACCACACGG[T>G]GAGGTCTGGGGTAGGGCAGAGTCATGAGTGGGGCAAGAAAGATGACTCATTTTATTAAGG-3'

ClinVar aggregate classification (germline): Likely pathogenic (1 of 4 stars; one submission).

Allele frequency attached by ClinVar (database versions not stated): gnomAD exomes below 0.00001.
gnomAD v4.1: 4 of 1,611,784 alleles (0.00025%); highest among the groups gnomAD compares: Non-Finnish European, 0.00034%; no homozygotes.

Submission:

Labcorp Genetics (formerly Invitae), Labcorp
Classification: Likely pathogenic. Last evaluated: 2023-05-11. Review status: criteria provided, single submitter. Criteria: Invitae Variant Classification Sherloc (09022015). Collection method: clinical testing. Allele origin: germline.
Comment: This sequence change affects a donor splice site in intron 2 of the FOXRED1 gene. It is expected to disrupt RNA splicing. Variants that disrupt the donor or acceptor splice site typically lead to a loss of protein function (PMID: 16199547), and loss-of-function variants in FOXRED1 are known to be pathogenic (PMID: 20818383, 20858599). This variant is present in population databases (no rsID available, gnomAD 0.0009%). This variant has not been reported in the literature in individuals affected with FOXRED1-related conditions. Algorithms developed to predict the effect of sequence changes on RNA splicing suggest that this variant may disrupt the consensus splice site. In summary, the currently available evidence indicates that the variant is pathogenic, but additional data are needed to prove that conclusively. Therefore, this variant has been classified as Likely Pathogenic.

Literature cited by the submitters: PubMed 16199547; PubMed 20818383; PubMed 20858599.